The following is an entry in ClinVar:

ClinVar aggregate classification (germline): Uncertain significance. Review status: criteria provided, multiple submitters, no conflicts (2 of 4 stars). 4 submissions from 4 submitters: Uncertain significance (4). Last evaluated 2025-07-28.

Conditions:
RP1L1-related disorder. Also called: RP1L1-related condition.
Inborn genetic diseases. Identifiers: MedGen C0950123, MeSH D030342.

Allele frequency attached by ClinVar (database versions not stated): gnomAD exomes 0.00001 and 0.00002; ExAC 0.00003; gnomAD 0.00011 and 0.00013; TOPMed 0.00011; ESP Exome Variant Server 0.00016.
gnomAD v4.1: 31 of 1,614,022 alleles (0.0019%); highest among the groups gnomAD compares: African/African-American, 0.039%; no homozygotes.

Submissions (4):

PreventionGenetics, part of Exact Sciences
Classification: Uncertain significance for RP1L1-related condition. Last evaluated: 2025-07-28. Review status: criteria provided, single submitter. Criteria: ACMG Guidelines, 2015. Collection method: clinical testing. Allele origin: germline.
Comment: The RP1L1 c.181T>G variant is predicted to result in the amino acid substitution p.Phe61Val. To our knowledge, this variant has not been reported in the literature. This variant is reported in 0.054% of alleles in individuals of African descent in gnomAD. Although we suspect that this variant may be benign, at this time, the clinical significance of this variant is uncertain due to the absence of conclusive functional and genetic evidence.

Ambry Genetics
Classification: Uncertain significance for Inborn genetic diseases. Last evaluated: 2024-08-10. Review status: criteria provided, single submitter. Criteria: Ambry Variant Classification Scheme 2023. Collection method: clinical testing. Allele origin: germline.

Labcorp Genetics (formerly Invitae), Labcorp
Classification: Uncertain significance. Last evaluated: 2024-08-05. Review status: criteria provided, single submitter. Criteria: Invitae Variant Classification Sherloc (09022015). Collection method: clinical testing. Allele origin: germline.
Comment: This sequence change replaces phenylalanine, which is neutral and non-polar, with valine, which is neutral and non-polar, at codon 61 of the RP1L1 protein (p.Phe61Val). This variant is present in population databases (rs375818359, gnomAD 0.05%). This variant has not been reported in the literature in individuals affected with RP1L1-related conditions. ClinVar contains an entry for this variant (Variation ID: 1389140). Advanced modeling of protein sequence and biophysical properties (such as structural, functional, and spatial information, amino acid conservation, physicochemical variation, residue mobility, and thermodynamic stability) has been performed at Invitae for this missense variant, however the output from this modeling did not meet the statistical confidence thresholds required to predict the impact of this variant on RP1L1 protein function. In summary, the available evidence is currently insufficient to determine the role of this variant in disease. Therefore, it has been classified as a Variant of Uncertain Significance.

Breakthrough Genomics
Classification: Uncertain significance. Review status: criteria provided, single submitter. Criteria: ACMG Guidelines, 2015. Collection method: not provided. Allele origin: germline. Inheritance: Autosomal recessive inheritance. Affected: yes.

NM_178857.6(RP1L1):c.181T>G (p.Phe61Val)

Gene: RP1L1 (RP1 like 1). Cytogenetic location: 8p23.1.
Variant type: single nucleotide variant.
Coding change: c.181T>G on transcript NM_178857.6 (MANE Select); coding-DNA position 181, T replaced by G.
Protein change: p.Phe61Val; replaces phenylalanine 61 with valine.
Molecular consequence: missense variant.
Genome position (GRCh38, 1-based): chr8:10,623,021, A>C on the plus strand (T>G on the coding strand, the complement: RP1L1 is on the minus strand). VCF-style: chr8-10623021-A-C. GRCh37 (hg19) VCF-style: chr8-10480531-A-C.
Other names: c.181T>G (NM_178857.5); short protein forms F61V.
Identifiers: ClinVar variation 1389140 (VCV001389140.9), dbSNP rs375818359, ClinGen allele CA4625839.